The following is an entry in ClinVar:

NM_014053.4(FLVCR1):c.*1940G>A

Gene: FLVCR1 (FLVCR choline and heme transporter 1; plus strand). Cytogenetic location: 1q32.3.
Variant type: single nucleotide variant.
Coding change: c.*1940G>A on transcript NM_014053.4 (MANE Select); 1940 bases downstream of the stop codon, G replaced by A.
Molecular consequence: 3 prime UTR variant.
Genome position (GRCh38, 1-based): chr1:212,897,230, G>A. VCF-style: chr1-212897230-G-A. GRCh37 (hg19) VCF-style: chr1-213070572-G-A.
Identifiers: ClinVar variation 295369 (VCV000295369.6), dbSNP rs6697126, ClinGen allele CA10609088.

ClinVar aggregate classification (germline): Benign. Review status: criteria provided, multiple submitters, no conflicts (2 of 4 stars). 2 submissions from 2 submitters: Benign (2). Last evaluated 2018-01-12.

Conditions:
Posterior column ataxia-retinitis pigmentosa syndrome (RETSNS). Also called: RETINOPATHY-SENSORY NEUROPATHY SYNDROME. Identifiers: Orphanet 88628, MedGen C1836916, MONDO:0012177, OMIM 609033.

Allele frequency attached by ClinVar (database versions not stated): gnomAD exomes 0.11765; 1000 Genomes Project 0.08946; gnomAD 0.09080 and 0.08801; TOPMed 0.09328.
gnomAD v4.1: 13,219 of 150,564 alleles (8.8%); highest among the groups gnomAD compares: African/African-American, 16%; 729 homozygotes.

Submissions (2):

Illumina Laboratory Services, Illumina
Classification: Benign for Posterior column ataxia-retinitis pigmentosa syndrome. Last evaluated: 2018-01-12. Review status: criteria provided, single submitter. Criteria: ICSL Variant Classification Criteria 13 December 2019. Collection method: clinical testing. Allele origin: germline.
Comment: This variant was observed in the ICSL laboratory as part of a predisposition screen in an ostensibly healthy population. It had not been previously curated by ICSL or reported in the Human Gene Mutation Database (HGMD: prior to June 1st, 2018), and was therefore a candidate for classification through an automated scoring system. Utilizing variant allele frequency, disease prevalence and penetrance estimates, and inheritance mode, an automated score was calculated to assess if this variant is too frequent to cause the disease. Based on the score and internal cut-off values, a variant classified as benign is not then subjected to further curation. The score for this variant resulted in a classification of benign for this disease.

Breakthrough Genomics
Classification: Benign. Review status: criteria provided, single submitter. Criteria: ACMG Guidelines, 2015. Collection method: not provided. Allele origin: germline. Inheritance: Autosomal recessive inheritance. Affected: yes.